The following is an entry in ClinVar:

NM_004456.5(EZH2):c.1505+269G>C

Gene: EZH2 (enhancer of zeste 2 polycomb repressive complex 2 subunit; minus strand). Cytogenetic location: 7q36.1.
Variant type: single nucleotide variant.
Coding change: c.1505+269G>C on transcript NM_004456.5 (MANE Select); 269 bases into the intron after coding-DNA position 1505, G replaced by C.
Molecular consequence: intron variant.
Genome position (GRCh38, 1-based): chr7:148,816,415, C>G on the plus strand (G>C on the coding strand, the complement: EZH2 is on the minus strand). VCF-style: chr7-148816415-C-G. GRCh37 (hg19) VCF-style: chr7-148513507-C-G.
Other names: c.1463+269G>C (NM_001203248.2, NM_001203249.2); c.1373+269G>C (NM_152998.3); c.1490+269G>C (NM_001203247.2).
Identifiers: ClinVar variation 673572 (VCV000673572.1), dbSNP rs73471806, ClinGen allele CA168914167.

ClinVar aggregate classification (germline): Benign (1 of 4 stars; one submission).

Allele frequency attached by ClinVar (database versions not stated): gnomAD 0.01643 and 0.01764; TOPMed 0.01940; 1000 Genomes Project 30x 0.02108; 1000 Genomes Project 0.02137.
gnomAD v4.1: 2,489 of 152,282 alleles (1.6%); highest among the groups gnomAD compares: African/African-American, 5.6%; 63 homozygotes.

Submission:

GeneDx
Classification: Benign. Last evaluated: 2018-06-16. Review status: criteria provided, single submitter. Criteria: GeneDx Variant Classification (06012015). Collection method: clinical testing. Allele origin: germline. Affected: yes.
Comment: This variant is considered likely benign or benign based on one or more of the following criteria: it is a conservative change, it occurs at a poorly conserved position in the protein, it is predicted to be benign by multiple in silico algorithms, and/or has population frequency not consistent with disease.